The following is an entry in ClinVar:

ClinVar aggregate classification (germline): Uncertain significance. Review status: criteria provided, multiple submitters, no conflicts (2 of 4 stars). 2 submissions from 2 submitters: Uncertain significance (2). Last evaluated 2026-06-22.

Conditions:
Hereditary sensory neuropathy-deafness-dementia syndrome. Also called: HSN IE; NEUROPATHY, HEREDITARY SENSORY, WITH HEARING LOSS AND DEMENTIA; Hereditary Sensory and Autonomic Neuropathy Type 1E (HSAN1E); Hereditary sensory neuropathy type IE. Identifiers: Orphanet 456318, MedGen C3279885, MONDO:0013584, OMIM 614116.
DNMT1-related disorder. Also called: DNMT1-related condition. Identifiers: MedGen CN381527.

Allele frequency attached by ClinVar (database versions not stated): gnomAD exomes below 0.00001; ExAC 0.00001; gnomAD 0.00001.
gnomAD v4.1: 3 of 1,614,120 alleles (0.00019%); highest among the groups gnomAD compares: African/African-American, 0.004%; no homozygotes.

Submissions (2):

PreventionGenetics, part of Exact Sciences
Classification: Uncertain significance for DNMT1-related condition. Last evaluated: 2026-06-22. Review status: criteria provided, single submitter. Criteria: ACMG Guidelines, 2015. Collection method: clinical testing. Allele origin: germline.
Comment: The DNMT1 c.1983G>T variant is predicted to result in the amino acid substitution p.Glu661Asp. To our knowledge, this variant has not been reported in the literature. This variant is reported in 0.0062% of alleles in individuals of African descent in gnomAD. At this time, the clinical significance of this variant is uncertain due to the absence of conclusive functional and genetic evidence.

Labcorp Genetics (formerly Invitae), Labcorp
Classification: Uncertain significance for Hereditary sensory neuropathy-deafness-dementia syndrome. Last evaluated: 2025-12-08. Review status: criteria provided, single submitter. Criteria: Invitae Variant Classification Sherloc (09022015). Collection method: clinical testing. Allele origin: germline.
Comment: This sequence change replaces glutamic acid, which is acidic and polar, with aspartic acid, which is acidic and polar, at codon 661 of the DNMT1 protein (p.Glu661Asp). This variant is present in population databases (rs781764761, gnomAD 0.007%). This variant has not been reported in the literature in individuals affected with DNMT1-related conditions. ClinVar contains an entry for this variant (Variation ID: 572640). Invitae Evidence Modeling of protein sequence and biophysical properties (such as structural, functional, and spatial information, amino acid conservation, physicochemical variation, residue mobility, and thermodynamic stability) indicates that this missense variant is not expected to disrupt DNMT1 protein function with a negative predictive value of 80%. In summary, the available evidence is currently insufficient to determine the role of this variant in disease. Therefore, it has been classified as a Variant of Uncertain Significance.

NM_001130823.3(DNMT1):c.1983G>T (p.Glu661Asp)

Gene: DNMT1 (DNA methyltransferase 1; minus strand). Cytogenetic location: 19p13.2.
Variant type: single nucleotide variant.
Coding change: c.1983G>T on transcript NM_001130823.3 (MANE Select); coding-DNA position 1983, G replaced by T.
Protein change: p.Glu661Asp; replaces glutamic acid 661 with aspartic acid.
Molecular consequence: missense variant.
Genome position (GRCh38, 1-based): chr19:10,154,329, C>A on the plus strand (G>T on the coding strand, the complement: DNMT1 is on the minus strand). VCF-style: chr19-10154329-C-A. GRCh37 (hg19) VCF-style: chr19-10265005-C-A.
Other names: c.1983G>T (NM_001130823.2, LRG_362t1); c.1935G>T, p.Glu645Asp (NM_001318730.2, NM_001379.4); c.1620G>T, p.Glu540Asp (NM_001318731.2); short protein forms E661D, E540D, E645D.
Identifiers: ClinVar variation 572640 (VCV000572640.9), dbSNP rs781764761, ClinGen allele CA9188162.